The following is an entry in ClinVar:

NM_000257.4(MYH7):c.797-13C>G

Gene: MYH7 (myosin heavy chain 7; minus strand). Cytogenetic location: 14q11.2.
Variant type: single nucleotide variant.
Coding change: c.797-13C>G on transcript NM_000257.4 (MANE Select); 13 bases into the intron before coding-DNA position 797, C replaced by G.
Molecular consequence: intron variant.
Genome position (GRCh38, 1-based): chr14:23,431,012, G>C on the plus strand (C>G on the coding strand, the complement: MYH7 is on the minus strand). VCF-style: chr14-23431012-G-C. GRCh37 (hg19) VCF-style: chr14-23900221-G-C.
Other names: c.797-13C>G (NM_001407004.1).
Identifiers: ClinVar variation 3387356 (VCV003387356.2).

ClinVar aggregate classification (germline): Likely benign. Review status: criteria provided, multiple submitters, no conflicts (2 of 4 stars). 2 submissions from 2 submitters: Likely benign (2). Last evaluated 2025-02-27.

Conditions:
Hypertrophic cardiomyopathy. Also called: HYPERTROPHIC MYOCARDIOPATHY. Identifiers: Orphanet 217569, MedGen C0007194, MeSH D002312, MONDO:0005045, HP:0001639.
Cardiomyopathy (CMYO). Also called: Cardiomyopathies. Identifiers: Orphanet 167848, MedGen C0878544, MONDO:0004994, HP:0001638. Inheritance: Various modes of inheritance.

Submissions (2):

Labcorp Genetics (formerly Invitae), Labcorp
Classification: Likely benign for Hypertrophic cardiomyopathy. Last evaluated: 2025-02-27. Review status: criteria provided, single submitter. Criteria: Invitae Variant Classification Sherloc (09022015). Collection method: clinical testing. Allele origin: germline.

All of Us Research Program, National Institutes of Health
Classification: Likely benign for Cardiomyopathy. Last evaluated: 2024-07-10. Review status: criteria provided, single submitter. Criteria: ACMG Guidelines, 2015. Collection method: clinical testing. Allele origin: germline. Inheritance: Autosomal dominant inheritance. Observed: 1 variant allele, 1 heterozygote.
Comment: This study involves interpretation of variants in research participants for the purpose of population health screening. Participant phenotype was not available at the time of variant classification. Additional details can be found in publication PMID: 35346344, PMCID: PMC8962531